The following is an entry in ClinVar:

NM_004456.5(EZH2):c.1947G>C (p.Glu649Asp)

Gene: EZH2 (enhancer of zeste 2 polycomb repressive complex 2 subunit; minus strand). Cytogenetic location: 7q36.1.
Variant type: single nucleotide variant.
Coding change: c.1947G>C on transcript NM_004456.5 (MANE Select); coding-DNA position 1947, G replaced by C.
Protein change: p.Glu649Asp; replaces glutamic acid 649 with aspartic acid.
Molecular consequence: missense variant.
Genome position (GRCh38, 1-based): chr7:148,811,625, C>G on the plus strand (G>C on the coding strand, the complement: EZH2 is on the minus strand). VCF-style: chr7-148811625-C-G. GRCh37 (hg19) VCF-style: chr7-148508717-C-G.
Other names: c.1932G>C, p.Glu644Asp (NM_001203247.2); c.1905G>C, p.Glu635Asp (NM_001203248.2); c.1779G>C, p.Glu593Asp (NM_001203249.2); c.1815G>C, p.Glu605Asp (NM_152998.3); short protein forms E593D, E635D, E644D, E649D, E605D.
Identifiers: ClinVar variation 2078222 (VCV002078222.4), dbSNP rs760495918, ClinGen allele CA369713013.

ClinVar aggregate classification (germline): Uncertain significance (1 of 4 stars; one submission).

Conditions:
Weaver syndrome (WVS). Also called: Weaver Smith syndrome; Overgrowth syndrome with accelerated skeletal maturation, unusual facies, and camptodactyly. Identifiers: Orphanet 3447, MedGen C0265210, MONDO:0010193, OMIM 277590.

Submission:

Labcorp Genetics (formerly Invitae), Labcorp
Classification: Uncertain significance for Weaver syndrome. Last evaluated: 2022-01-10. Review status: criteria provided, single submitter. Criteria: Invitae Variant Classification Sherloc (09022015). Collection method: clinical testing. Allele origin: germline.
Comment: This variant is not present in population databases (gnomAD no frequency). This sequence change replaces glutamic acid, which is acidic and polar, with aspartic acid, which is acidic and polar, at codon 649 of the EZH2 protein (p.Glu649Asp). This variant also falls at the last nucleotide of exon 16, which is part of the consensus splice site for this exon. This variant has not been reported in the literature in individuals affected with EZH2-related conditions. In summary, the available evidence is currently insufficient to determine the role of this variant in disease. Therefore, it has been classified as a Variant of Uncertain Significance. Variants that disrupt the consensus splice site are a relatively common cause of aberrant splicing (PMID: 17576681, 9536098). Algorithms developed to predict the effect of sequence changes on RNA splicing suggest that this variant may disrupt the consensus splice site. Algorithms developed to predict the effect of missense changes on protein structure and function are either unavailable or do not agree on the potential impact of this missense change (SIFT: "Deleterious"; PolyPhen-2: "Probably Damaging"; Align-GVGD: "Class C0").

Literature cited by the submitters: PubMed 17576681; PubMed 9536098.